The following is an entry in ClinVar:

ClinVar aggregate classification (germline): Pathogenic (1 of 4 stars; one submission).

Conditions:
Pyruvate carboxylase deficiency. Also called: ATAXIA WITH LACTIC ACIDOSIS II; LEIGH NECROTIZING ENCEPHALOPATHY DUE TO PYRUVATE CARBOXYLASE DEFICIENCY; LEIGH SYNDROME DUE TO PYRUVATE CARBOXYLASE DEFICIENCY; PC DEFICIENCY; Pyruvate Carboxylase Deficiency Disease. Identifiers: Orphanet 3008, MedGen C0034341, MONDO:0009949, OMIM 266150.

Submission:

Myriad Genetics, Inc.
Classification: Pathogenic for Pyruvate carboxylase deficiency. Last evaluated: 2023-09-27. Review status: criteria provided, single submitter. Criteria: Myriad Autosomal Dominant, Autosomal Recessive and X-Linked Classification Criteria (2023). Collection method: clinical testing. Allele origin: unknown.
Comment: NM_000920.3(PC):c.466dupC(R156Pfs*24) is expected to be pathogenic in the context of pyruvate carboxylase deficiency. This variant is predicted to lead to an abnormal or absent protein product due to the creation of a premature termination codon in PC, a gene where loss-of-function variants are known to be pathogenic. Please note: this variant was assessed in the context of healthy population screening.

NM_001040716.2(PC):c.466dup (p.Arg156fs)

Gene: PC (pyruvate carboxylase; minus strand). Cytogenetic location: 11q13.2.
Variant type: Duplication.
Coding change: c.466dup on transcript NM_001040716.2 (MANE Select); coding-DNA position 466, one base duplicated (C; older notation c.466dupC).
Protein change: p.Arg156fs; shifts the reading frame from arginine 156.
Molecular consequence: frameshift variant.
Genome position (GRCh38, 1-based): chr11:66,871,336, G duplicated on the plus strand (C on the coding strand, the reverse complement: PC is on the minus strand); the first of 3 consecutive G bases (chr11:66,871,336-66,871,338); duplicating any one gives the same sequence. VCF-style (leftmost placement, unchanged base first): chr11-66871335-C-CG. GRCh37 (hg19) VCF-style: chr11-66638806-C-CG.
Other names: c.466dup, p.Arg156fs (NM_000920.4, NM_001439352.1, NM_001439353.1 and 5 more transcripts); short protein forms R156fs.
Identifiers: ClinVar variation 5012050 (VCV005012050.1).